The following is an entry in ClinVar:

NM_006204.4(PDE6C):c.2503G>A (p.Gly835Arg)

Gene: PDE6C (phosphodiesterase 6C; plus strand). Cytogenetic location: 10q23.33.
Variant type: single nucleotide variant.
Coding change: c.2503G>A on transcript NM_006204.4 (MANE Select); coding-DNA position 2503, G replaced by A.
Protein change: p.Gly835Arg; replaces glycine 835 with arginine.
Molecular consequence: missense variant.
Genome position (GRCh38, 1-based): chr10:93,663,163, G>A. VCF-style: chr10-93663163-G-A. GRCh37 (hg19) VCF-style: chr10-95422920-G-A.
Other names: short protein forms G835R.
Identifiers: ClinVar variation 259946 (VCV000259946.14), dbSNP rs142876079, ClinGen allele CA5610514.

ClinVar aggregate classification (germline): Uncertain significance. Review status: criteria provided, multiple submitters, no conflicts (2 of 4 stars). 6 submissions from 5 submitters: Uncertain significance (6). Last evaluated 2025-12-03.

Conditions:
PDE6C-related disorder. Also called: PDE6C-related condition.
Inborn genetic diseases. Identifiers: MedGen C0950123, MeSH D030342.
Achromatopsia. Also called: Rod monochromatism. Identifiers: Orphanet 49382, MedGen C0152200, MONDO:0018852, HP:0011516.
Cone dystrophy 4 (COD4). Identifiers: Orphanet 49382, MedGen C2751308, MONDO:0013129, OMIM 613093.

Allele frequency attached by ClinVar (database versions not stated): gnomAD exomes 0.00004 and 0.00015; ExAC 0.00007; TOPMed 0.00007; gnomAD 0.00009 and 0.00010; ESP Exome Variant Server 0.00023.
gnomAD v4.1: 235 of 1,613,466 alleles (0.015%); highest among the groups gnomAD compares: Non-Finnish European, 0.019%; 1 homozygote.

Submissions (6):

Ambry Genetics
Classification: Uncertain significance for Inborn genetic diseases. Last evaluated: 2025-12-03. Review status: criteria provided, single submitter. Criteria: Ambry Variant Classification Scheme 2023. Collection method: clinical testing. Allele origin: germline.

PreventionGenetics, part of Exact Sciences
Classification: Uncertain significance for PDE6C-related condition. Last evaluated: 2025-01-21. Review status: criteria provided, single submitter. Criteria: ACMG Guidelines, 2015. Collection method: clinical testing. Allele origin: germline.

Labcorp Genetics (formerly Invitae), Labcorp
Classification: Uncertain significance. Last evaluated: 2023-08-17. Review status: criteria provided, single submitter. Criteria: Invitae Variant Classification Sherloc (09022015). Collection method: clinical testing. Allele origin: germline.
Comment: In summary, the available evidence is currently insufficient to determine the role of this variant in disease. Therefore, it has been classified as a Variant of Uncertain Significance. An algorithm developed to predict the effect of missense changes on protein structure and function (PolyPhen-2) suggests that this variant¬†is likely to be tolerated. ClinVar contains an entry for this variant (Variation ID: 259946). This variant has not been reported in the literature in individuals affected with PDE6C-related conditions. This variant is present in population databases (rs142876079, gnomAD 0.01%). This sequence change replaces glycine, which is neutral and non-polar, with arginine, which is basic and polar, at codon 835 of the PDE6C protein (p.Gly835Arg).

Blueprint Genetics
Classification: Uncertain significance. Last evaluated: 2023-06-01. Review status: criteria provided, single submitter. Criteria: ACMG Guidelines, 2015. Collection method: clinical testing. Allele origin: germline.

Illumina Laboratory Services, Illumina
Classification: Uncertain significance for Cone dystrophy 4. Last evaluated: 2018-01-13. Review status: criteria provided, single submitter. Criteria: ICSL Variant Classification Criteria 13 December 2019. Collection method: clinical testing. Allele origin: germline.

Illumina Laboratory Services, Illumina
Classification: Uncertain significance for Achromatopsia. Last evaluated: 2018-01-13. Review status: criteria provided, single submitter. Criteria: ICSL Variant Classification Criteria 13 December 2019. Collection method: clinical testing. Allele origin: germline.